The following is an entry in ClinVar:

NM_014679.5(CEP57):c.986G>C (p.Ser329Thr)

Gene: CEP57 (centrosomal protein 57; plus strand). Cytogenetic location: 11q21.
Variant type: single nucleotide variant.
Coding change: c.986G>C on transcript NM_014679.5 (MANE Select); coding-DNA position 986, G replaced by C.
Protein change: p.Ser329Thr; replaces serine 329 with threonine.
Molecular consequence: missense variant.
Genome position (GRCh38, 1-based): chr11:95,827,886, G>C. VCF-style: chr11-95827886-G-C. GRCh37 (hg19) VCF-style: chr11-95561050-G-C.
Other names: c.959G>C, p.Ser320Thr (NM_001243776.2); c.908G>C, p.Ser303Thr (NM_001243777.2); c.905G>C, p.Ser302Thr (NM_001363604.2); short protein forms S303T, S329T, S302T, S320T.
Identifiers: ClinVar variation 3832009 (VCV003832009.1).

ClinVar aggregate classification (germline): Uncertain significance (1 of 4 stars; one submission).

Conditions:
Inborn genetic diseases. Identifiers: MedGen C0950123, MeSH D030342.

gnomAD v4.1: 1 of 1,614,154 alleles (0.000062%); highest among the groups gnomAD compares: Non-Finnish European, 0.000085%; no homozygotes.

Submission:

Ambry Genetics
Classification: Uncertain significance for Inborn genetic diseases. Last evaluated: 2025-03-02. Review status: criteria provided, single submitter. Criteria: Ambry Variant Classification Scheme 2023. Collection method: clinical testing. Allele origin: germline.
Comment: The p.S329T variant (also known as c.986G>C), located in coding exon 9 of the CEP57 gene, results from a G to C substitution at nucleotide position 986. The serine at codon 329 is replaced by threonine, an amino acid with similar properties. This amino acid position is conserved. In addition, this alteration is predicted to be tolerated by in silico analysis. Based on the available evidence, the clinical significance of this variant remains unclear.